The following is an entry in ClinVar:

ClinVar aggregate classification (germline): Uncertain significance (1 of 4 stars; one submission).

Conditions:
Alagille syndrome due to a JAG1 point mutation. Also called: HEPATIC DUCTULAR HYPOPLASIA, SYNDROMATIC; Alagille Syndrome 1; JAG1-Related Alagille Syndrome. Identifiers: Orphanet 261619, Orphanet 52, MedGen C1956125, MONDO:0016862, OMIM 118450.

Submission:

Labcorp Genetics (formerly Invitae), Labcorp
Classification: Uncertain significance for Alagille syndrome due to a JAG1 point mutation. Last evaluated: 2025-07-31. Review status: criteria provided, single submitter. Criteria: Invitae Variant Classification Sherloc (09022015). Collection method: clinical testing. Allele origin: germline.
Comment: This sequence change replaces threonine, which is neutral and polar, with lysine, which is basic and polar, at codon 6 of the JAG1 protein (p.Thr6Lys). This variant is not present in population databases (gnomAD no frequency). This variant has not been reported in the literature in individuals affected with JAG1-related conditions. Invitae Evidence Modeling of protein sequence and biophysical properties (such as structural, functional, and spatial information, amino acid conservation, physicochemical variation, residue mobility, and thermodynamic stability) indicates that this missense variant is not expected to disrupt JAG1 protein function with a negative predictive value of 95%. In summary, the available evidence is currently insufficient to determine the role of this variant in disease. Therefore, it has been classified as a Variant of Uncertain Significance.

NM_000214.3(JAG1):c.17C>A (p.Thr6Lys)

Gene: JAG1 (jagged canonical Notch ligand 1; minus strand). Cytogenetic location: 20p12.2.
Variant type: single nucleotide variant.
Coding change: c.17C>A on transcript NM_000214.3 (MANE Select); coding-DNA position 17, C replaced by A.
Protein change: p.Thr6Lys; replaces threonine 6 with lysine.
Molecular consequence: missense variant.
Genome position (GRCh38, 1-based): chr20:10,673,514, G>T on the plus strand (C>A on the coding strand, the complement: JAG1 is on the minus strand). VCF-style: chr20-10673514-G-T. GRCh37 (hg19) VCF-style: chr20-10654162-G-T.
Other names: short protein forms T6K.
Identifiers: ClinVar variation 4803103 (VCV004803103.1).